The following is an entry in ClinVar:

NM_000722.4(CACNA2D1):c.1144-1G>A

Genes: CACNA2D1 (calcium voltage-gated channel auxiliary subunit alpha2delta 1; minus strand), CACNA2D1-AS1 (CACNA2D1 antisense RNA 1; plus strand). Cytogenetic location: 7q21.11.
Variant type: single nucleotide variant.
Coding change: c.1144-1G>A on transcript NM_000722.4 (MANE Select); the canonical splice acceptor site of the intron before coding-DNA position 1144, G replaced by A.
Molecular consequence: splice acceptor variant.
Genome position (GRCh38, 1-based): chr7:82,014,480, C>T on the plus strand (G>A on the coding strand, the complement: CACNA2D1 is on the minus strand). VCF-style: chr7-82014480-C-T. GRCh37 (hg19) VCF-style: chr7-81643796-C-T.
Other names: c.1144-1G>A (NM_001366867.1).
Identifiers: ClinVar variation 4766226 (VCV004766226.1).

ClinVar aggregate classification (germline): Uncertain significance (1 of 4 stars; one submission).

Conditions:
Brugada syndrome. Also called: Sudden unexpected nocturnal death syndrome; Sudden unexplained nocturnal death syndrome; Sudden Unexplained Death Syndrome; Sudden Unexplained Nocturnal Death Syndrome (SUNDS). Identifiers: Orphanet 130, MedGen C1142166, MONDO:0015263.

Submission:

Labcorp Genetics (formerly Invitae), Labcorp
Classification: Uncertain significance for Brugada syndrome. Last evaluated: 2025-12-15. Review status: criteria provided, single submitter. Criteria: Invitae Variant Classification Sherloc (09022015). Collection method: clinical testing. Allele origin: germline.
Comment: This sequence change affects an acceptor splice site in intron 12 of the CACNA2D1 gene. It is expected to disrupt RNA splicing. Variants that disrupt the donor or acceptor splice site typically lead to a loss of protein function (PMID: 16199547), however the current clinical and genetic evidence is not sufficient to establish whether loss-of-function variants in CACNA2D1 cause disease. This variant is not present in population databases (gnomAD no frequency). This variant has not been reported in the literature in individuals affected with CACNA2D1-related conditions. Algorithms developed to predict the effect of sequence changes on RNA splicing suggest that this variant may disrupt the consensus splice site. In summary, the available evidence is currently insufficient to determine the role of this variant in disease. Therefore, it has been classified as a Variant of Uncertain Significance.

Literature cited by the submitters: PubMed 16199547.